The following is an entry in ClinVar:

ClinVar aggregate classification (germline): Pathogenic/Likely pathogenic. Review status: criteria provided, multiple submitters, no conflicts (2 of 4 stars). 16 submissions from 16 submitters: Pathogenic (9); Likely pathogenic (6). 1 of the submissions does not count toward it. Last evaluated 2026-08-06.

Conditions:
BTD-related disorder. Also called: BTD-related condition.
Biotinidase deficiency. Also called: BTD deficiency; Late-onset biotin-responsive multiple carboxylase deficiency; Biotin deficiency. Identifiers: Orphanet 79241, MedGen C0220754, MONDO:0009665, OMIM 253260.

Allele frequency attached by ClinVar (database versions not stated): ExAC 0.00001; gnomAD exomes 0.00002; gnomAD 0.00003; TOPMed 0.00006.
gnomAD v4.1: 30 of 1,613,920 alleles (0.0019%); highest among the groups gnomAD compares: Admixed American, 0.013%; no homozygotes.

Submissions (16):

OLLIN Analises Genomicas, OLLIN
Classification: Pathogenic for Biotinidase deficiency. Last evaluated: 2026-08-06. Review status: criteria provided, single submitter. Criteria: ACMG Guidelines 2015 PMID 25741868. Collection method: clinical testing. Allele origin: germline. Inheritance: Autosomal recessive inheritance.
Comment: This missense variant, located in exon 4 (of 4), has been reported in ClinVar (accession VCV000025026.34) and in gnomAD with an allele frequency of 0.0019%. However, to our knowledge, it has not been reported in the scientific literature. Functional studies suggest that this variant may affect protein function, and in silico analysis predicts a deleterious effect. According to the currently available evidence, this variant has been classified as pathogenic (PS3_P, PS4, PM2_P, PM3_VS, PP3_M).

Dasa
Classification: Likely pathogenic. Last evaluated: 2026-01-15. Review status: criteria provided, single submitter. Criteria: DASA Assertion Criteria. Collection method: clinical testing. Allele origin: germline.
Comment: NM_001370658.1(BTD):c.535G>A (p.Val179Met) is a missense variant that results in the substitution of valine with methionine. This variant has been recurrently observed in individuals with BTD-related disorders (PMID: 25174816; PMID: 20549359; PMID: 15060693; PMID: 17185019). Also, this variant is rare in population databases. Computational evidence supports a deleterious effect. Based on the currently available evidence, this variant is classified as likely pathogenic.

Natera, Inc.
Classification: Pathogenic for Biotinidase deficiency. Last evaluated: 2025-09-22. Review status: criteria provided, single submitter. Criteria: Natera Variant Classification Schema (03/2026). Collection method: clinical testing. Allele origin: germline.
Comment: The c.535G>A variant in BTD is a missense variant predicted to cause substitution of valine to methionine at amino acid 179. This variant is rare in the general population with a frequency below the threshold expected for the associated phenotype(s). This variant has been observed in one or more individuals affected with the associated recessive disease, as either homozygous or compound heterozygous with a second variant (PMID: 17185019, 29995633). Given the available evidence, this variant is classified as Pathogenic.

Labcorp Genetics (formerly Invitae), Labcorp
Classification: Pathogenic for Biotinidase deficiency. Last evaluated: 2025-08-02. Review status: criteria provided, single submitter. Criteria: Invitae Variant Classification Sherloc (09022015). Collection method: clinical testing. Allele origin: germline.
Comment: This sequence change replaces valine, which is neutral and non-polar, with methionine, which is neutral and non-polar, at codon 199 of the BTD protein (p.Val199Met). This variant is present in population databases (rs397514375, gnomAD 0.006%). This missense change has been observed in individual(s) with partial or profound biotinidase deficiency (PMID: 12359137, 15060693, 17185019, 25144890, 25174816, 28498829). ClinVar contains an entry for this variant (Variation ID: 25026). Invitae Evidence Modeling of protein sequence and biophysical properties (such as structural, functional, and spatial information, amino acid conservation, physicochemical variation, residue mobility, and thermodynamic stability) indicates that this missense variant is expected to disrupt BTD protein function with a positive predictive value of 95%. For these reasons, this variant has been classified as Pathogenic.

GeneDx
Classification: Likely pathogenic. Last evaluated: 2025-07-30. Review status: criteria provided, single submitter. Criteria: GeneDx Variant Classification Process June 2021. Collection method: clinical testing. Allele origin: germline.
Comment: Not observed at significant frequency in large population cohorts (gnomAD); In silico analysis supports that this missense variant has a deleterious effect on protein structure/function; Also known as c.595G>A, p.V199M; This variant is associated with the following publications: (PMID: 25144890, 28498829, 12359137, 17185019, 15060693, 25174816, 38299772, 39688110)

Baylor Genetics
Classification: Pathogenic for Biotinidase deficiency. Last evaluated: 2024-03-21. Review status: criteria provided, single submitter. Criteria: ACMG Guidelines, 2015. Collection method: clinical testing. Allele origin: unknown.

Laboratory of Medical Genetics, National & Kapodistrian University of Athens
Classification: Pathogenic for Biotinidase deficiency. Last evaluated: 2024-02-01. Review status: criteria provided, single submitter. Criteria: ACMG Guidelines, 2015. Collection method: curation. Allele origin: germline. Affected: no.

PreventionGenetics, part of Exact Sciences
Classification: Likely pathogenic for BTD-related condition. Last evaluated: 2023-03-15. Review status: criteria provided, single submitter. Criteria: ACMG Guidelines, 2015. Collection method: clinical testing. Allele origin: germline.
Comment: The BTD c.595G>A variant is predicted to result in the amino acid substitution p.Val199Met. This variant has been reported in the compound heterozygous or homozygous states in patients with biotinidase deficiency (Borsatto et al. 2014. PubMed ID: 25174816; Wolf et al. 2002. PubMed ID: 12359137; Wiltink et al. 2016. PubMed ID: 27329734; Jay et al. 2015. PubMed ID: 25144890; Milankovics et al. 2007. PubMed ID: 17185019; Neto et al. 2004. PubMed ID: 15060693; Canda et al. 2018. PubMed ID: 29995633). This variant was also described in the heterozygous state in individuals with aberrant newborn screening results (Thodi et al. 2011. PubMed ID: 22011816). This variant is reported in 0.0056% of alleles in individuals of Latino descent in gnomAD. In the ClinVar database, this variant has been listed as 'likely pathogenic' or 'pathogenic' by outside laboratories. This variant is interpreted as likely pathogenic.

3billion
Classification: Likely pathogenic for Biotinidase deficiency. Last evaluated: 2023-02-23. Review status: criteria provided, single submitter. Criteria: ACMG Guidelines, 2015. Collection method: clinical testing. Allele origin: unknown. Affected: yes.
Comment: The variant is observed at an extremely low frequency in the gnomAD v2.1.1 dataset (total allele frequency: 0.002%). In silico tool predictions suggest damaging effect of the variant on gene or gene product (REVEL: 0.81; 3Cnet: 0.97). Same nucleotide change resulting in same amino acid change has been previously reported as pathogenic/likely pathogenic with strong evidence (ClinVar ID: VCV000025026). Therefore, this variant is classified as Likely pathogenic according to the recommendation of ACMG/AMP guideline.

Blueprint Genetics
Classification: Pathogenic for BTD-related disorders. Last evaluated: 2022-07-06. Review status: criteria provided, single submitter. Criteria: ACMG Guidelines, 2015. Collection method: clinical testing. Allele origin: germline. Affected: yes. Observed: 3 variant alleles.

Women's Health and Genetics/Laboratory Corporation of America, LabCorp
Classification: Pathogenic for Biotinidase deficiency. Last evaluated: 2022-05-11. Review status: criteria provided, single submitter. Criteria: LabCorp Variant Classification Summary - May 2015. Collection method: clinical testing. Allele origin: germline.
Comment: Variant summary: BTD c.535G>A (p.Val179Met) results in a conservative amino acid change in the encoded protein sequence. Four of five in-silico tools predict a damaging effect of the variant on protein function. The variant allele was found at a frequency of 2e-05 in 251458 control chromosomes. c.535G>A has been reported in the literature as compound heterozygous genotypes in individuals affected with profound and partial Biotinidase Deficiency (example, Wolf_2002, Milankovis_2007, Neto_2004, Jay_2015, Borsatto_2017). These data indicate that the variant is very likely to be associated with disease. To our knowledge, no variant specific experimental evidence demonstrating an impact on protein function has been reported. Six clinical diagnostic laboratories have submitted clinical-significance assessments for this variant to ClinVar after 2014 without evidence for independent evaluation. All laboratories classified the variant as pathogenic/likely pathogenic. Based on the evidence outlined above, the variant was classified as pathogenic.

Revvity Omics, Revvity
Classification: Likely pathogenic for Biotinidase deficiency. Last evaluated: 2019-06-26. Review status: criteria provided, single submitter. Criteria: ACMG Guidelines, 2015. Collection method: clinical testing. Allele origin: germline.

Quest Diagnostics Nichols Institute San Juan Capistrano
Classification: Pathogenic. Last evaluated: 2019-05-20. Review status: criteria provided, single submitter. Criteria: Quest Diagnostics criteria. Collection method: clinical testing. Allele origin: unknown.
Comment: The frequency of this variant in the general population, 0.000021 (6/282846 chromosomes), is consistent with pathogenicity. In the published literature, the variant is associated with profound biotinidase deficiency although it has been reported in affected individuals with a second pathogenic variant and residual activity (PMID: 12359137 (2002), 25174816 (2014), 27329734 (2016)). Based on the available information, this variant is classified as pathogenic.

Fulgent Genetics
Classification: Likely pathogenic for Biotinidase deficiency. Last evaluated: 2018-10-31. Review status: criteria provided, single submitter. Criteria: ACMG Guidelines, 2015. Collection method: clinical testing. Allele origin: unknown.

Lifecell International Pvt. Ltd
Classification: Pathogenic for Biotinidase deficiency. Review status: criteria provided, single submitter. Criteria: ACMG Guidelines, 2015. Collection method: clinical testing. Allele origin: germline. Inheritance: Autosomal recessive inheritance. Affected: yes. Observed: 1 compound heterozygote.
Comment: A Heterozygous Missense variant c.535G>A in Exon 4 of the BTD gene that results in the amino acid substitution p.Val179Met was identified. This variant has been reported to ClinVar (25026 ) as Pathogenic and likely pathogenic with a status of (2 stars) criteria provided,multiple submitters, no conflicts The observed variant has amaximum allele frequency of 0.00002/0.00003% in gnomAD exomes and genomes, respectively. The severity of the impact of this variant on the protein is high, based on the effect of the protein and REVEL score . Rare Exome Variant Ensemble Learner (REVEL) is an ensembl method for predicting the pathogenicity of missense variants based on a combination of scores from 13 individual tools: MutPred, FATHMM v2.3, VEST 3.0, PolyPhen-2, SIFT, PROVEAN, MutationAssessor, MutationTaster, LRT, GERP++, SiPhy, phyloP, and phastCons. The REVEL score for an individual missense variant can range from 0 to 1, with higher scores reflecting greater likelihood thatthe variant is disease-causing. Experimental evidence suggests this variant results in abnormal protein function ( Borsatto T, et al., 2014). This variant has been observed in many individuals affected with Biotinidase deficiency reported by (Milánkovics I et al., 2007) Based on the above evidence this variant has been classified asPathogenic according to the ACMG guidelines.

Counsyl
Classification: Likely pathogenic for Biotinidase deficiency. Last evaluated: 2016-09-16. Review status: no assertion criteria provided. Collection method: clinical testing. Allele origin: unknown. Not counted in ClinVar's aggregate classification.

Literature cited by the submitters: PubMed 25174816 (cited by 5 submitters); PubMed 20549359 (cited by Dasa); PubMed 15060693 (cited by 4 submitters); PubMed 17185019 (cited by 6 submitters); PubMed 29995633 (cited by Natera, Inc.); PubMed 12359137 (cited by 4 submitters); PubMed 25144890 (cited by 3 submitters); PubMed 28498829 (cited by Labcorp Genetics (formerly Invitae), Labcorp and Women's Health and Genetics/Laboratory Corporation of America, LabCorp); PubMed 27329734 (cited by Quest Diagnostics Nichols Institute San Juan Capistrano and Counsyl).

NM_001370658.1(BTD):c.535G>A (p.Val179Met)

Gene: BTD (biotinidase; plus strand). Cytogenetic location: 3p25.1.
Variant type: single nucleotide variant.
Coding change: c.535G>A on transcript NM_001370658.1 (MANE Select); coding-DNA position 535, G replaced by A.
Protein change: p.Val179Met; replaces valine 179 with methionine.
Molecular consequence: missense variant. On other transcripts: intron variant (1).
Genome position (GRCh38, 1-based): chr3:15,644,451, G>A. VCF-style: chr3-15644451-G-A. GRCh37 (hg19) VCF-style: chr3-15685958-G-A.
Other names: c.535G>A, p.Val179Met (NM_001407375.1, NM_001407376.1, NM_001407377.1 and 18 more transcripts); c.399+2394G>A (NM_001370753.1); c.595G>A, p.Val199Met (NM_000060.4); short protein forms V179M.
Identifiers: ClinVar variation 25026 (VCV000025026.38), dbSNP rs397514375, ClinGen allele CA278235.